The following is an entry in ClinVar:

ClinVar aggregate classification (germline): Conflicting classifications of pathogenicity. Review status: criteria provided, conflicting classifications (1 of 4 stars). 5 submissions from 5 submitters: Likely pathogenic (3); Uncertain significance (2). Last evaluated 2026-01-28.

Conditions:
Glycogen storage disease, type IV (GSD4). Also called: AMYLOPECTINOSIS; ANDERSEN DISEASE; BRANCHER DEFICIENCY; Glycogen storage disease due to glycogen branching enzyme deficiency; CIRRHOSIS, FAMILIAL, WITH DEPOSITION OF ABNORMAL GLYCOGEN; GBE1 DEFICIENCY. Identifiers: Orphanet 367, MedGen C0017923, MONDO:0009292, OMIM 232500.
Glycogen storage disease IV, classic hepatic. Also called: GSD IV, CLASSIC HEPATIC. Identifiers: MedGen C1856301.
Arthrogryposis syndrome. Identifiers: Orphanet 109007, MedGen CN261653, MONDO:0015225.

Allele frequency attached by ClinVar (database versions not stated): gnomAD 0.00001 and 0.00002; gnomAD exomes 0.00002 and 0.00003; ExAC 0.00005.
gnomAD v4.1: 34 of 1,585,606 alleles (0.0021%); highest among the groups gnomAD compares: Admixed American, 0.011%; no homozygotes.

Submissions (5):

Labcorp Genetics (formerly Invitae), Labcorp
Classification: Likely pathogenic for Glycogen storage disease, type IV; Glycogen storage disease IV, classic hepatic. Last evaluated: 2026-01-28. Review status: criteria provided, single submitter. Criteria: Invitae Variant Classification Sherloc (09022015). Collection method: clinical testing. Allele origin: germline.
Comment: This sequence change replaces arginine, which is basic and polar, with cysteine, which is neutral and slightly polar, at codon 355 of the GBE1 protein (p.Arg355Cys). The frequency data for this variant in the population databases is considered unreliable, as metrics indicate poor data quality at this position in the gnomAD database. This missense change has been observed in individual(s) with clinical features of glycogen storage disease (PMID: 30569318). ClinVar contains an entry for this variant (Variation ID: 1341390). Invitae Evidence Modeling of protein sequence and biophysical properties (such as structural, functional, and spatial information, amino acid conservation, physicochemical variation, residue mobility, and thermodynamic stability) indicates that this missense variant is expected to disrupt GBE1 protein function with a positive predictive value of 95%. This variant disrupts the p.Arg355 amino acid residue in GBE1. Other variant(s) that disrupt this residue have been determined to be pathogenic (PMID: 25728520). This suggests that this residue is clinically significant, and that variants that disrupt this residue are likely to be disease-causing. In summary, the currently available evidence indicates that the variant is pathogenic, but additional data are needed to prove that conclusively. Therefore, this variant has been classified as Likely Pathogenic.

Women's Health and Genetics/Laboratory Corporation of America, LabCorp
Classification: Likely pathogenic for Glycogen storage disease, type IV. Last evaluated: 2025-08-15. Review status: criteria provided, single submitter. Criteria: LabCorp Variant Classification Summary - May 2015. Collection method: clinical testing. Allele origin: germline.
Comment: Variant summary: GBE1 c.1063C>T (p.Arg355Cys) results in a non-conservative amino acid change located in the glycosyl hydrolase, family 13, catalytic domain (IPR006047) of the encoded protein sequence. Algorithms developed to predict the effect of missense changes on protein structure and function all suggest that this variant is likely to be disruptive. The variant allele was found at a frequency of 3.3e-05 in 211906 control chromosomes. c.1063C>T has been observed in a compound heterozygous individual affected with Glycogen Storage Disease, Type IV (Schene_2018). These data do not allow any conclusion about variant significance. To our knowledge, no experimental evidence demonstrating an impact on protein function has been reported. However, a different variant affecting the same codon has been classified as likely pathogenic/pathogenic (c.1064G>A (p.Arg355His)), supporting the critical relevance of codon 355 to GBE1 protein function. The following publication has been ascertained in the context of this evaluation (PMID: 30569318). ClinVar contains an entry for this variant (Variation ID: 1341390). Based on the evidence outlined above, the variant was classified as likely pathogenic.

Natera, Inc.
Classification: Likely pathogenic for Glycogen storage disease type IV. Last evaluated: 2025-05-02. Review status: criteria provided, single submitter. Criteria: Natera Variant Classification Schema (03/2026). Collection method: clinical testing. Allele origin: germline.
Comment: The c.1063C>T variant in GBE1 is a missense variant predicted to cause substitution of arginine to cysteine at amino acid 355. This variant is rare in the general population with a frequency below the threshold expected for the associated phenotype(s). This variant has been observed in one or more individuals affected with the associated recessive disease, as either homozygous or compound heterozygous with a second variant (PMID: 30569318). A different variant at the same position has been determined to be Pathogenic or Likely Pathogenic. Computational prediction algorithms indicate this variant is likely to affect gene or protein function. Given the available evidence, this variant is classified as Likely Pathogenic.

Broad Center for Mendelian Genomics, Broad Institute of MIT and Harvard
Classification: Uncertain significance for Glycogen storage disease, type IV. Last evaluated: 2022-01-27. Review status: criteria provided, single submitter. Criteria: ACMG Guidelines, 2015. Collection method: curation. Allele origin: germline. Inheritance: Autosomal recessive inheritance.
Comment: The p.Arg355Cys variant in GBE1 has been reported in 1 individual, in the compound heterozygous state, with glycogen storage disease type IV (GSD IV) (PMID: 30569318), and has been identified in 0.02% (6/29976) of Latino/Admixed American chromosomes by the Genome Aggregation Database (gnomAD; dbSNP ID: rs780431086). Although this variant has been seen in the general population in a heterozygous state, its frequency is not high enough to rule out a pathogenic role. Computational prediction tools and conservation analyses suggest that this variant may impact the protein, though this information is not predictive enough to determine pathogenicity. In summary, the clinical significance of the p.Arg355Cys variant is uncertain. ACMG/AMP Criteria applied: PP3 (Richards 2015).

Cambridge Genomics Laboratory, East Genomic Laboratory Hub, NHS Genomic Medicine Service
Classification: Uncertain significance for Arthrogryposis syndrome. Last evaluated: 2020-03-27. Review status: criteria provided, single submitter. Criteria: ACGS Best Practice Guidelines for Variant Classification in Rare Disease 2020. Collection method: clinical testing. Allele origin: germline. Affected: yes. Observed: 1 variant allele.

Literature cited by the submitters: PubMed 30569318 (cited by 3 submitters); PubMed 25728520 (cited by Labcorp Genetics (formerly Invitae), Labcorp).

NM_000158.4(GBE1):c.1063C>T (p.Arg355Cys)

Gene: GBE1 (1,4-alpha-glucan branching enzyme 1; minus strand). Cytogenetic location: 3p12.2.
Variant type: single nucleotide variant.
Coding change: c.1063C>T on transcript NM_000158.4 (MANE Select); coding-DNA position 1063, C replaced by T.
Protein change: p.Arg355Cys; replaces arginine 355 with cysteine.
Molecular consequence: missense variant.
Genome position (GRCh38, 1-based): chr3:81,593,953, G>A on the plus strand (C>T on the coding strand, the complement: GBE1 is on the minus strand). VCF-style: chr3-81593953-G-A. GRCh37 (hg19) VCF-style: chr3-81643104-G-A.
Other names: NM_000158.4:c.1063C>T; c.1063C>T (NM_000158.3); short protein forms R355C.
Identifiers: ClinVar variation 1341390 (VCV001341390.10), dbSNP rs780431086, ClinGen allele CA2499800.